The following is an entry in ClinVar:

ClinVar aggregate classification (germline): Uncertain significance. Review status: criteria provided, multiple submitters, no conflicts (2 of 4 stars). 2 submissions from 2 submitters: Uncertain significance (2). Last evaluated 2024-02-01.

Conditions:
Left ventricular noncompaction 1 (LVNC1). Also called: LEFT VENTRICULAR NONCOMPACTION 1 WITH OR WITHOUT CONGENITAL HEART DEFECTS. Identifiers: Orphanet 54260, MedGen C1858725, MONDO:0011403, OMIM 604169.
Dilated cardiomyopathy 1HH (CMD1HH). Identifiers: Orphanet 154, MedGen C3151293, MONDO:0013479, OMIM 613881.

Allele frequency attached by ClinVar (database versions not stated): ExAC 0.00001; gnomAD exomes 0.00001.
gnomAD v4.1: 16 of 1,614,182 alleles (0.00099%); highest among the groups gnomAD compares: South Asian, 0.015%; no homozygotes.

Submissions (2):

Neuberg Centre For Genomic Medicine, NCGM
Classification: Uncertain significance for Dilated cardiomyopathy 1HH. Last evaluated: 2024-02-01. Review status: criteria provided, single submitter. Criteria: ACMG Guidelines, 2015. Collection method: clinical testing. Allele origin: germline. Inheritance: Autosomal dominant inheritance. Affected: yes.
Comment: The above variant in DTNA gene has not been reported previously as a pathogenic variant nor as a benign variant, to our knowledge.

Labcorp Genetics (formerly Invitae), Labcorp
Classification: Uncertain significance for Left ventricular noncompaction 1. Last evaluated: 2022-06-12. Review status: criteria provided, single submitter. Criteria: Invitae Variant Classification Sherloc (09022015). Collection method: clinical testing. Allele origin: germline.
Comment: In summary, the available evidence is currently insufficient to determine the role of this variant in disease. Therefore, it has been classified as a Variant of Uncertain Significance. Algorithms developed to predict the effect of missense changes on protein structure and function are either unavailable or do not agree on the potential impact of this missense change (SIFT: "Tolerated"; PolyPhen-2: "Probably Damaging"; Align-GVGD: "Class C0"). This variant has not been reported in the literature in individuals affected with DTNA-related conditions. This variant is present in population databases (rs753381769, gnomAD 0.01%). This sequence change replaces glutamine, which is neutral and polar, with leucine, which is neutral and non-polar, at codon 106 of the DTNA protein (p.Gln106Leu).

NM_001386795.1(DTNA):c.317A>T (p.Gln106Leu)

Gene: DTNA (dystrobrevin alpha; plus strand). Cytogenetic location: 18q12.1.
Variant type: single nucleotide variant.
Coding change: c.317A>T on transcript NM_001386795.1 (MANE Select); coding-DNA position 317, A replaced by T.
Protein change: p.Gln106Leu; replaces glutamine 106 with leucine.
Molecular consequence: missense variant.
Genome position (GRCh38, 1-based): chr18:34,794,205, A>T. VCF-style: chr18-34794205-A-T. GRCh37 (hg19) VCF-style: chr18-32374169-A-T.
Other names: c.317A>T, p.Gln106Leu (NM_001128175.2, NM_001198938.2, NM_001198939.2 and 35 more transcripts); short protein forms Q106L.
Identifiers: ClinVar variation 1906875 (VCV001906875.6), dbSNP rs753381769, ClinGen allele CA8935336.